The following is an entry in ClinVar:

NM_001267550.2(TTN):c.26764C>T (p.Arg8922Ter)

Gene: TTN (titin; minus strand). Cytogenetic location: 2q31.2.
Variant type: single nucleotide variant.
Coding change: c.26764C>T on transcript NM_001267550.2 (MANE Select); coding-DNA position 26764, C replaced by T.
Protein change: p.Arg8922Ter; replaces arginine 8922 with a stop codon.
Molecular consequence: nonsense. On other transcripts: intron variant (3).
Genome position (GRCh38, 1-based): chr2:178,713,370, G>A on the plus strand (C>T on the coding strand, the complement: TTN is on the minus strand). VCF-style: chr2-178713370-G-A. GRCh37 (hg19) VCF-style: chr2-179578097-G-A.
Other names: c.25813C>T, p.Arg8605Ter (NM_001256850.1); c.23032C>T, p.Arg7678Ter (NM_133378.4); c.13282+24712C>T (NM_003319.4); c.13858+24712C>T (NM_133437.4); c.13657+24712C>T (NM_133432.3); short protein forms R7678*, R8605*, R8922*.
Identifiers: ClinVar variation 996782 (VCV000996782.12), dbSNP rs1250796004, ClinGen allele CA349462471.

ClinVar aggregate classification (germline): Pathogenic/Likely pathogenic. Review status: criteria provided, multiple submitters, no conflicts (2 of 4 stars). 3 submissions from 3 submitters: Pathogenic (2); Likely pathogenic (1). Last evaluated 2024-11-04.

Conditions:
Dilated cardiomyopathy 1G (CMD1G). Identifiers: Orphanet 154, MedGen C1858763, MONDO:0011400, OMIM 604145.
Autosomal recessive limb-girdle muscular dystrophy type 2J (LGMDR10). Also called: Limb-girdle muscular dystrophy, type 2J; MUSCULAR DYSTROPHY, LIMB-GIRDLE, AUTOSOMAL RECESSIVE 10. Identifiers: Orphanet 140922, MedGen C1837342, MONDO:0012127, OMIM 608807.
Hypertrophic cardiomyopathy 9. Also called: Familial hypertrophic cardiomyopathy 9. Identifiers: MedGen C1861065, MONDO:0013412, OMIM 613765.
Early-onset myopathy with fatal cardiomyopathy (CMYO5). Also called: CONGENITAL MYOPATHY 5 WITH CARDIOMYOPATHY; Salih Myopathy. Identifiers: Orphanet 289377, MedGen C2673677, MONDO:0012714, OMIM 611705. Disease mechanism: loss of function.
Myopathy, myofibrillar, 9, with early respiratory failure (MFM9). Also called: EDSTROM MYOPATHY; MYOPATHY, PROXIMAL, WITH EARLY RESPIRATORY MUSCLE INVOLVEMENT; Hereditary myopathy with early respiratory failure; Myopathy, distal, with early respiratory failure, autosomal dominant. Identifiers: Orphanet 178464, Orphanet 34521, MedGen C1863599, MONDO:0011362, OMIM 603689.
Tibial muscular dystrophy (TMD). Also called: Tibial muscular dystrophy, tardive; UDD MYOPATHY; Udd Distal Myopathy – Tibial Muscular Dystrophy. Identifiers: Orphanet 609, MedGen C1838244, MONDO:0010870, OMIM 600334.

Submissions (3):

Labcorp Genetics (formerly Invitae), Labcorp
Classification: Pathogenic for Dilated cardiomyopathy 1G; Autosomal recessive limb-girdle muscular dystrophy type 2J. Last evaluated: 2024-11-04. Review status: criteria provided, single submitter. Criteria: Invitae Variant Classification Sherloc (09022015). Collection method: clinical testing. Allele origin: germline.
Comment: This sequence change creates a premature translational stop signal (p.Arg8922*) in the TTN gene. While this is not anticipated to result in nonsense mediated decay, it is expected to create a truncated TTN protein. This variant is not present in population databases (gnomAD no frequency). This premature translational stop signal has been observed in individual(s) with clinical features of autosomal recessive arthrogryposis multiplex congenita (PMID: 34740919, 35605965). In at least one individual the data is consistent with being in trans (on the opposite chromosome) from a pathogenic variant. ClinVar contains an entry for this variant (Variation ID: 996782). This variant is located in the I band of TTN (PMID: 25589632). Truncating variants in this region have been reported in individuals affected with autosomal recessive centronuclear myopathy (PMID: 23975875, internal data). Truncating variants in this region have also been identified in individuals affected with autosomal dominant dilated cardiomyopathy and/or cardio-related conditions (PMID: 27869827, 32964742, internal data). For these reasons, this variant has been classified as Pathogenic.

Institute of Medical Genetics and Applied Genomics, University Hospital Tübingen
Classification: Likely pathogenic. Last evaluated: 2021-02-01. Review status: criteria provided, single submitter. Criteria: ACMG Guidelines, 2015. Collection method: clinical testing. Allele origin: germline. Inheritance: Autosomal recessive inheritance. Affected: yes.

Juno Genomics, Hangzhou Juno Genomics, Inc
Classification: Pathogenic for Myopathy, myofibrillar, 9, with early respiratory failure; Tibial muscular dystrophy; Early-onset myopathy with fatal cardiomyopathy; Dilated cardiomyopathy 1G; Hypertrophic cardiomyopathy 9; Autosomal recessive limb-girdle muscular dystrophy type 2J. Review status: criteria provided, single submitter. Criteria: ACMG Guidelines, 2015. Collection method: clinical testing. Allele origin: germline. Affected: yes.
Comment: Absent from controls (or at extremely low frequency if recessive) in Genome Aggregation Database, Exome Sequencing Project, 1000 Genomes Project, or Exome Aggregation Consortium.;Null variant in a gene where loss of function (LOF) is a known mechanism of disease.;For recessive disorders, detected in trans with a pathogenic variant.;Patient's phenotype or family history is highly specific for a disease with a single genetic etiology.

Literature cited by the submitters: PubMed 34740919 (cited by Labcorp Genetics (formerly Invitae), Labcorp); PubMed 35605965 (cited by Labcorp Genetics (formerly Invitae), Labcorp); PubMed 25589632 (cited by Labcorp Genetics (formerly Invitae), Labcorp); PubMed 23975875 (cited by Labcorp Genetics (formerly Invitae), Labcorp); PubMed 27869827 (cited by Labcorp Genetics (formerly Invitae), Labcorp); PubMed 32964742 (cited by Labcorp Genetics (formerly Invitae), Labcorp).